The following is an entry in ClinVar:

NM_032242.4(PLXNA1):c.4392G>C (p.Leu1464=)

Gene: PLXNA1 (plexin A1; plus strand). Cytogenetic location: 3q21.3.
Variant type: single nucleotide variant.
Coding change: c.4392G>C on transcript NM_032242.4 (MANE Select); coding-DNA position 4392, G replaced by C.
Protein change: p.Leu1464=; no amino-acid change (leucine 1464 retained).
Molecular consequence: synonymous variant.
Genome position (GRCh38, 1-based): chr3:127,027,969, G>C. VCF-style: chr3-127027969-G-C. GRCh37 (hg19) VCF-style: chr3-126746812-G-C.
Other names: c.4392G>C (NM_032242.3).
Identifiers: ClinVar variation 2654102 (VCV002654102.25), dbSNP rs755930621, ClinGen allele CA2594373.

ClinVar aggregate classification (germline): Likely benign. Review status: criteria provided, multiple submitters, no conflicts (2 of 4 stars). 2 submissions from 2 submitters: Likely benign (2). Last evaluated 2025-05-12.

Conditions:
PLXNA1-related disorder. Also called: PLXNA1-related condition.

Submissions (2):

PreventionGenetics, part of Exact Sciences
Classification: Likely benign for PLXNA1-related condition. Last evaluated: 2025-05-12. Review status: criteria provided, single submitter. Criteria: ACMG Guidelines, 2015. Collection method: clinical testing. Allele origin: germline.
Comment: This variant is classified as likely benign based on ACMG/AMP sequence variant interpretation guidelines (Richards et al. 2015 PMID: 25741868, with internal and published modifications).

CeGaT Center for Human Genetics Tuebingen
Classification: Likely benign. Last evaluated: 2022-08-01. Review status: criteria provided, single submitter. Criteria: CeGaT Center For Human Genetics Tuebingen Variant Classification Criteria Version 2. Collection method: clinical testing. Allele origin: germline. Affected: yes. Observed: 1 variant allele.
Comment: PLXNA1: BP4, BP7